The following is an entry in ClinVar:

NM_198576.4(AGRN):c.2671T>C (p.Cys891Arg)

Gene: AGRN (agrin; plus strand). Cytogenetic location: 1p36.33.
Variant type: single nucleotide variant.
Coding change: c.2671T>C on transcript NM_198576.4 (MANE Select); coding-DNA position 2671, T replaced by C.
Protein change: p.Cys891Arg; replaces cysteine 891 with arginine.
Molecular consequence: missense variant.
Genome position (GRCh38, 1-based): chr1:1,045,867, T>C. VCF-style: chr1-1045867-T-C. GRCh37 (hg19) VCF-style: chr1-981247-T-C.
Other names: c.2671T>C (NM_198576.3); c.2671T>C, p.Cys891Arg (NM_001305275.2); c.2356T>C, p.Cys786Arg (NM_001364727.2); short protein forms C786R, C891R.
Identifiers: ClinVar variation 2186779 (VCV002186779.5), dbSNP rs756577332, ClinGen allele CA508738.
Genomic context (GRCh38, chr1:1,045,867, plus strand): 5'-GGGGTGGCTGGACCCAAGTGTGGGCAGTGTCCAGACGGCCGTGCCCTGGGCCCCGCGGGC[T>C]GTGAAGCTGGTGAGTGAGGGCCAGCGCTACCCTGGGGCTTCATGGGGTGGGGTGGGGTCA-3'
Protein context (NP_940978.2, residues 881-901): PDGRALGPAG[Cys891Arg]EADASAPATC

ClinVar aggregate classification (germline): Uncertain significance. Review status: criteria provided, multiple submitters, no conflicts (2 of 4 stars). 2 submissions from 2 submitters: Uncertain significance (2). Last evaluated 2025-04-11.

Conditions:
Congenital myasthenic syndrome 8. Also called: MYASTHENIC SYNDROME, CONGENITAL, DUE TO AGRIN DEFICIENCY; Myasthenic syndrome, congenital, 8, with pre- and postsynaptic defects. Identifiers: Orphanet 590, MedGen C3808739, MONDO:0014052, OMIM 615120.
Inborn genetic diseases. Identifiers: MedGen C0950123, MeSH D030342.

Allele frequency attached by ClinVar (database versions not stated): ExAC 0.00001; gnomAD 0.00001; TOPMed 0.00001.
gnomAD v4.1: 4 of 1,610,750 alleles (0.00025%); highest among the groups gnomAD compares: Admixed American, 0.0067%; no homozygotes.

Submissions (2):

Ambry Genetics
Classification: Uncertain significance for Inborn genetic diseases. Last evaluated: 2025-04-11. Review status: criteria provided, single submitter. Criteria: Ambry Variant Classification Scheme 2023. Collection method: clinical testing. Allele origin: germline.

Labcorp Genetics (formerly Invitae), Labcorp
Classification: Uncertain significance for Congenital myasthenic syndrome 8. Last evaluated: 2022-06-11. Review status: criteria provided, single submitter. Criteria: Invitae Variant Classification Sherloc (09022015). Collection method: clinical testing. Allele origin: germline.
Comment: In summary, the available evidence is currently insufficient to determine the role of this variant in disease. Therefore, it has been classified as a Variant of Uncertain Significance. Algorithms developed to predict the effect of missense changes on protein structure and function are either unavailable or do not agree on the potential impact of this missense change (SIFT: "Deleterious"; PolyPhen-2: "Possibly Damaging"; Align-GVGD: "Class C0"). This variant has not been reported in the literature in individuals affected with AGRN-related conditions. This variant is present in population databases (rs756577332, gnomAD 0.009%). This sequence change replaces cysteine, which is neutral and slightly polar, with arginine, which is basic and polar, at codon 891 of the AGRN protein (p.Cys891Arg).